The following is an entry in ClinVar:

ClinVar aggregate classification (germline): Uncertain significance (1 of 4 stars; one submission).

Conditions:
Hypertrophic cardiomyopathy. Also called: HYPERTROPHIC MYOCARDIOPATHY. Identifiers: Orphanet 217569, MedGen C0007194, MeSH D002312, MONDO:0005045, HP:0001639.

Submission:

Labcorp Genetics (formerly Invitae), Labcorp
Classification: Uncertain significance for Hypertrophic cardiomyopathy. Last evaluated: 2023-02-11. Review status: criteria provided, single submitter. Criteria: Invitae Variant Classification Sherloc (09022015). Collection method: clinical testing. Allele origin: germline.
Comment: This sequence change replaces phenylalanine, which is neutral and non-polar, with serine, which is neutral and polar, at codon 275 of the MYH7 protein (p.Phe275Ser). This variant is not present in population databases (gnomAD no frequency). This variant has not been reported in the literature in individuals affected with MYH7-related conditions. Advanced modeling of protein sequence and biophysical properties (such as structural, functional, and spatial information, amino acid conservation, physicochemical variation, residue mobility, and thermodynamic stability) performed at Invitae indicates that this missense variant is expected to disrupt MYH7 protein function. In summary, the available evidence is currently insufficient to determine the role of this variant in disease. Therefore, it has been classified as a Variant of Uncertain Significance.

NM_000257.4(MYH7):c.824T>C (p.Phe275Ser)

Gene: MYH7 (myosin heavy chain 7; minus strand). Cytogenetic location: 14q11.2.
Variant type: single nucleotide variant.
Coding change: c.824T>C on transcript NM_000257.4 (MANE Select); coding-DNA position 824, T replaced by C.
Protein change: p.Phe275Ser; replaces phenylalanine 275 with serine.
Molecular consequence: missense variant.
Genome position (GRCh38, 1-based): chr14:23,430,972, A>G on the plus strand (T>C on the coding strand, the complement: MYH7 is on the minus strand). VCF-style: chr14-23430972-A-G. GRCh37 (hg19) VCF-style: chr14-23900181-A-G.
Other names: c.824T>C, p.Phe275Ser (NM_001407004.1); short protein forms F275S.
Identifiers: ClinVar variation 2836269 (VCV002836269.3), dbSNP rs2502310256, ClinGen allele CA389051964.